The following is an entry in ClinVar:

ClinVar aggregate classification (germline): Uncertain significance (1 of 4 stars; one submission).

Allele frequency attached by ClinVar (database versions not stated): gnomAD 0.00001; gnomAD exomes 0.00001 and 0.00002; TOPMed 0.00001; ExAC 0.00002.
gnomAD v4.1: 27 of 1,613,344 alleles (0.0017%); highest among the groups gnomAD compares: African/African-American, 0.0053%; no homozygotes.

Submission:

GeneDx
Classification: Uncertain significance. Last evaluated: 2019-03-29. Review status: criteria provided, single submitter. Criteria: GeneDx Variant Classification Process June 2021. Collection method: clinical testing. Allele origin: germline. Affected: yes.
Comment: Not observed at a significant frequency in large population cohorts (Lek et al., 2016); In silico analysis, which includes protein predictors and evolutionary conservation, supports a deleterious effect; Has not been previously published as pathogenic or benign to our knowledge

NM_018060.4(IARS2):c.1549C>T (p.Arg517Trp)

Gene: IARS2 (isoleucyl-tRNA synthetase 2, mitochondrial; plus strand). Cytogenetic location: 1q41.
Variant type: single nucleotide variant.
Coding change: c.1549C>T on transcript NM_018060.4 (MANE Select); coding-DNA position 1549, C replaced by T.
Protein change: p.Arg517Trp; replaces arginine 517 with tryptophan.
Molecular consequence: missense variant.
Genome position (GRCh38, 1-based): chr1:220,114,383, C>T. VCF-style: chr1-220114383-C-T. GRCh37 (hg19) VCF-style: chr1-220287725-C-T.
Other names: short protein forms R517W.
Identifiers: ClinVar variation 1302220 (VCV001302220.2), dbSNP rs759787338, ClinGen allele CA1401454.